The following is an entry in ClinVar:

ClinVar aggregate classification (germline): Uncertain significance (1 of 4 stars; one submission).

Conditions:
Primary dilated cardiomyopathy (DCM). Also called: Dilated Cardiomyopathy. Identifiers: Orphanet 217604, MedGen C0007193, MeSH D002311, MONDO:0005021, HP:0001644. Inheritance: Various modes of inheritance.

Allele frequency attached by ClinVar (database versions not stated): TOPMed 0.00001; gnomAD 0.00011; 1000 Genomes Project 30x 0.00016; gnomAD exomes 0.00016; ExAC 0.00018; 1000 Genomes Project 0.00020.
gnomAD v4.1: 118 of 1,613,488 alleles (0.0073%); highest among the groups gnomAD compares: Non-Finnish European, 0.00042%; 1 homozygote.

Submission:

Labcorp Genetics (formerly Invitae), Labcorp
Classification: Uncertain significance for Primary dilated cardiomyopathy. Last evaluated: 2024-06-05. Review status: criteria provided, single submitter. Criteria: Invitae Variant Classification Sherloc (09022015). Collection method: clinical testing. Allele origin: germline.
Comment: This sequence change replaces alanine, which is neutral and non-polar, with threonine, which is neutral and polar, at codon 125 of the NEBL protein (p.Ala125Thr). This variant is present in population databases (rs201197235, gnomAD 0.2%), and has an allele count higher than expected for a pathogenic variant. This variant has not been reported in the literature in individuals affected with NEBL-related conditions. An algorithm developed to predict the effect of missense changes on protein structure and function (PolyPhen-2) suggests that this variant is likely to be disruptive. In summary, the available evidence is currently insufficient to determine the role of this variant in disease. Therefore, it has been classified as a Variant of Uncertain Significance.

NM_006393.3(NEBL):c.373G>A (p.Ala125Thr)

Gene: NEBL (nebulette; minus strand). Cytogenetic location: 10p12.31.
Variant type: single nucleotide variant.
Coding change: c.373G>A on transcript NM_006393.3 (MANE Select); coding-DNA position 373, G replaced by A.
Protein change: p.Ala125Thr; replaces alanine 125 with threonine.
Molecular consequence: missense variant. On other transcripts: intron variant (9).
Genome position (GRCh38, 1-based): chr10:20,880,901, C>T on the plus strand (G>A on the coding strand, the complement: NEBL is on the minus strand). VCF-style: chr10-20880901-C-T. GRCh37 (hg19) VCF-style: chr10-21169830-C-T.
Other names: c.250-67961G>A (NM_001377326.1, NM_001377327.1, NM_001377328.1); c.358-67961G>A (NM_213569.2, NM_001173484.2, NM_001377322.1); c.301-67961G>A (NM_001377324.1); c.292-67961G>A (NM_001377325.1); c.310-67961G>A (NM_001377323.1); short protein forms A125T.
Identifiers: ClinVar variation 2987330 (VCV002987330.3), dbSNP rs201197235, ClinGen allele CA5433263.
Genomic context (GRCh38, chr10:20,880,901, plus strand): 5'-GCTCCTTCATGTGGGCATAATCTGAGAATCCTTTGGCAGCATCATGTTTCTGCTTGTAGG[C>T]CACCTGAAAAACACAAATAATTTTTAGTCCCATTTAGAGGCATATAAATTCTTGCCTGCT-3'
Protein context (NP_006384.1, residues 115-135): GEVTQLQSEV[Ala125Thr]YKQKHDAAKG